The following is an entry in ClinVar:

ClinVar aggregate classification (germline): Uncertain significance (1 of 4 stars; one submission).

Conditions:
Familial adenomatous polyposis 1 (FAP1). Also called: FAMILIAL ADENOMATOUS POLYPOSIS 1, ATTENUATED; POLYPOSIS, ADENOMATOUS INTESTINAL. Identifiers: MedGen C2713442, MONDO:0021056, OMIM 175100. Disease mechanism: loss of function.

Submission:

Labcorp Genetics (formerly Invitae), Labcorp
Classification: Uncertain significance for Familial adenomatous polyposis 1. Last evaluated: 2025-12-01. Review status: criteria provided, single submitter. Criteria: Invitae Variant Classification Sherloc (09022015). Collection method: clinical testing. Allele origin: germline.
Comment: This sequence change replaces serine, which is neutral and polar, with asparagine, which is neutral and polar, at codon 2283 of the APC protein (p.Ser2283Asn). This variant is not present in population databases (gnomAD no frequency). This variant has not been reported in the literature in individuals affected with APC-related conditions. Invitae Evidence Modeling of protein sequence and biophysical properties (such as structural, functional, and spatial information, amino acid conservation, physicochemical variation, residue mobility, and thermodynamic stability) indicates that this missense variant is not expected to disrupt APC protein function with a negative predictive value of 95%. In summary, the available evidence is currently insufficient to determine the role of this variant in disease. Therefore, it has been classified as a Variant of Uncertain Significance.

NM_000038.6(APC):c.6848G>A (p.Ser2283Asn)

Gene: APC (APC regulator of Wnt signaling pathway; plus strand). Cytogenetic location: 5q22.2.
Variant type: single nucleotide variant.
Coding change: c.6848G>A on transcript NM_000038.6 (MANE Select); coding-DNA position 6848, G replaced by A.
Protein change: p.Ser2283Asn; replaces serine 2283 with asparagine.
Molecular consequence: missense variant. On other transcripts: non-coding transcript variant (2).
Genome position (GRCh38, 1-based): chr5:112,842,442, G>A. VCF-style: chr5-112842442-G-A. GRCh37 (hg19) VCF-style: chr5-112178139-G-A.
Other names: c.6848G>A, p.Ser2283Asn (NM_001127510.3, NM_001354895.2, NM_001407450.1); c.6794G>A, p.Ser2265Asn (NM_001127511.3); c.6902G>A, p.Ser2301Asn (NM_001354896.2, NM_001407447.1, NM_001407448.1 and 1 more transcripts); c.6878G>A, p.Ser2293Asn (NM_001354897.2); c.6773G>A, p.Ser2258Asn (NM_001354898.2); c.6764G>A, p.Ser2255Asn (NM_001354899.2); c.6725G>A, p.Ser2242Asn (NM_001354900.2); c.6671G>A, p.Ser2224Asn (NM_001354901.2, NM_001407453.1); and 11 more; short protein forms S2000N, S2192N, S2200N, S2255N, S2265N, S2283N, S2301N, S2157N.
Identifiers: ClinVar variation 4703748 (VCV004703748.1).